The following is an entry in ClinVar:

NM_017909.4(RMND1):c.674C>T (p.Thr225Ile)

Gene: RMND1 (required for meiotic nuclear division 1 homolog; minus strand). Cytogenetic location: 6q25.1.
Variant type: single nucleotide variant.
Coding change: c.674C>T on transcript NM_017909.4 (MANE Select); coding-DNA position 674, C replaced by T.
Protein change: p.Thr225Ile; replaces threonine 225 with isoleucine.
Molecular consequence: missense variant.
Genome position (GRCh38, 1-based): chr6:151,433,170, G>A on the plus strand (C>T on the coding strand, the complement: RMND1 is on the minus strand). VCF-style: chr6-151433170-G-A. GRCh37 (hg19) VCF-style: chr6-151754305-G-A.
Other names: c.674C>T (NM_017909.2); c.164C>T, p.Thr55Ile (NM_001271937.2); short protein forms T225I, T55I.
Identifiers: ClinVar variation 3593241 (VCV003593241.3).

ClinVar aggregate classification (germline): Uncertain significance. Review status: criteria provided, multiple submitters, no conflicts (2 of 4 stars). 2 submissions from 2 submitters: Uncertain significance (2). Last evaluated 2025-11-11.

Conditions:
Combined oxidative phosphorylation defect type 11. Also called: ENCEPHALONEUROMYOPATHY, INFANTILE, DUE TO MITOCHONDRIAL TRANSLATION DEFECT; Combined oxidative phosphorylation deficiency 11. Identifiers: Orphanet 324535, MedGen C5190991, MONDO:0013969, OMIM 614922.

gnomAD v4.1: 49 of 1,610,102 alleles (0.003%); highest among the groups gnomAD compares: East Asian, 0.11%; 1 homozygote.

Submissions (2):

GeneDx
Classification: Uncertain significance. Last evaluated: 2025-11-11. Review status: criteria provided, single submitter. Criteria: GeneDx Variant Classification Process June 2021. Collection method: clinical testing. Allele origin: germline.
Comment: In silico analysis suggests that this missense variant does not alter protein structure/function; Has not been previously published as pathogenic or benign to our knowledge

Fulgent Genetics
Classification: Uncertain significance for Combined oxidative phosphorylation defect type 11. Last evaluated: 2024-05-28. Review status: criteria provided, single submitter. Criteria: ACMG Guidelines, 2015. Collection method: clinical testing. Allele origin: germline.